The following is an entry in ClinVar:

NM_194248.3(OTOF):c.377G>A (p.Gly126Asp)

Gene: OTOF (otoferlin; minus strand). Cytogenetic location: 2p23.3.
Variant type: single nucleotide variant.
Coding change: c.377G>A on transcript NM_194248.3 (MANE Select); coding-DNA position 377, G replaced by A.
Protein change: p.Gly126Asp; replaces glycine 126 with aspartic acid.
Molecular consequence: missense variant.
Genome position (GRCh38, 1-based): chr2:26,516,550, C>T on the plus strand (G>A on the coding strand, the complement: OTOF is on the minus strand). VCF-style: chr2-26516550-C-T. GRCh37 (hg19) VCF-style: chr2-26739418-C-T.
Other names: c.377G>A, p.Gly126Asp (NM_001287489.2); short protein forms G126D.
Identifiers: ClinVar variation 738384 (VCV000738384.16), dbSNP rs187033414, ClinGen allele CA1564682.
Genomic context (GRCh38, chr2:26,516,550, plus strand): 5'-CTGTCCTTCTCTTCCTCTTGAAGAGACTCATCTCCCAGGAAGTCCCCATCGTCCCAGGAG[C>T]CCACTGTGCCGTCAGTGGCCTGATACCGGACCTCCACGCACAGGCTGGTCTGAAGGGAGG-3'
Protein context (NP_919224.1, residues 116-136): VRYQATDGTV[Gly126Asp]SWDDGDFLGD

ClinVar aggregate classification (germline): Conflicting classifications of pathogenicity. Review status: criteria provided, conflicting classifications (1 of 4 stars). 4 submissions from 4 submitters: Uncertain significance (2); Likely benign (1). 1 of the submissions does not count toward it. Last evaluated 2026-10-13.

Conditions:
OTOF-related disorder. Also called: OTOF-related condition.

Allele frequency attached by ClinVar (database versions not stated): 1000 Genomes Project 0.00160; TOPMed 0.00009; gnomAD 0.00015 and 0.00011; 1000 Genomes Project 30x 0.00141.

Submissions (4):

GeneDx
Classification: Uncertain significance. Last evaluated: 2026-10-13. Review status: criteria provided, single submitter. Criteria: GeneDx Variant Classification Process June 2021. Collection method: clinical testing. Allele origin: germline.
Comment: Reported without a second OTOF variant in an individual with hearing loss in published literature who harbored multiple variants in other genes, including a homozygous pathogenic GJB2 variant (PMID: 34515852); In silico analysis supports that this missense variant has a deleterious effect on protein structure/function; This variant is associated with the following publications: (PMID: 34515852, 35464846, 25010007)

Labcorp Genetics (formerly Invitae), Labcorp
Classification: Likely benign. Last evaluated: 2026-01-20. Review status: criteria provided, single submitter. Criteria: Invitae Variant Classification Sherloc (09022015). Collection method: clinical testing. Allele origin: germline.

Blueprint Genetics
Classification: Uncertain significance. Last evaluated: 2024-06-18. Review status: criteria provided, single submitter. Criteria: ACMG Guidelines, 2015. Collection method: clinical testing. Allele origin: germline.

PreventionGenetics, part of Exact Sciences
Classification: Likely benign for OTOF-related condition. Last evaluated: 2024-07-15. Review status: no assertion criteria provided. Collection method: clinical testing. Allele origin: germline. Not counted in ClinVar's aggregate classification.
Comment: This variant is classified as likely benign based on ACMG/AMP sequence variant interpretation guidelines (Richards et al. 2015 PMID: 25741868, with internal and published modifications).